The following is an entry in ClinVar:

NM_138694.4(PKHD1):c.8951-13C>T

Gene: PKHD1 (PKHD1 ciliary IPT domain containing fibrocystin/polyductin; minus strand). Cytogenetic location: 6p12.3.
Variant type: single nucleotide variant.
Coding change: c.8951-13C>T on transcript NM_138694.4 (MANE Select); 13 bases into the intron before coding-DNA position 8951, C replaced by T.
Molecular consequence: intron variant.
Genome position (GRCh38, 1-based): chr6:51,748,678, G>A on the plus strand (C>T on the coding strand, the complement: PKHD1 is on the minus strand). VCF-style: chr6-51748678-G-A. GRCh37 (hg19) VCF-style: chr6-51613476-G-A.
Other names: c.8951-13C>T (NM_170724.3).
Identifiers: ClinVar variation 633360 (VCV000633360.21), dbSNP rs112249812, ClinGen allele CA3851470.

ClinVar aggregate classification (germline): Conflicting classifications of pathogenicity. Review status: criteria provided, conflicting classifications (1 of 4 stars). 5 submissions from 5 submitters: Uncertain significance (1); Benign (2); Likely benign (2). Last evaluated 2026-02-04.

Conditions:
Autosomal recessive polycystic kidney disease (ARPKD). Also called: AR polycystic kidney disease. Identifiers: Orphanet 731, Orphanet 8378, MedGen C0085548, MeSH D017044, MONDO:0009889.

Allele frequency attached by ClinVar (database versions not stated): ESP Exome Variant Server 0.00123; 1000 Genomes Project 0.00140; gnomAD exomes 0.00037; ExAC 0.00041; gnomAD 0.00149 and 0.00163; 1000 Genomes Project 30x 0.00172; TOPMed 0.00187.
gnomAD v4.1: 505 of 1,612,446 alleles (0.031%); highest among the groups gnomAD compares: African/African-American, 0.6%; 1 homozygote.

Submissions (5):

Labcorp Genetics (formerly Invitae), Labcorp
Classification: Benign for Autosomal recessive polycystic kidney disease. Last evaluated: 2026-02-04. Review status: criteria provided, single submitter. Criteria: Invitae Variant Classification Sherloc (09022015). Collection method: clinical testing. Allele origin: germline.

Women's Health and Genetics/Laboratory Corporation of America, LabCorp
Classification: Benign. Last evaluated: 2025-01-09. Review status: criteria provided, single submitter. Criteria: LabCorp Variant Classification Summary - May 2015. Collection method: clinical testing. Allele origin: germline.
Comment: Variant summary: PKHD1 c.8951-13C>T alters a non-conserved nucleotide located at a position not widely known to affect splicing. Consensus agreement among computation tools predict no significant impact on normal splicing. However, these predictions have yet to be confirmed by functional studies. The variant allele was found at a frequency of 0.00031 in 1605478 control chromosomes, predominantly at a frequency of 0.006 within the African or African-American subpopulation in the gnomAD database (v4.1 dataset), including 1 homozygote. This frequency somewhat lower than the maximum estimated for a pathogenic variant in PKHD1 causing Polycystic Kidney And Hepatic Disease (0.0071). To our knowledge, no occurrence of c.8951-13C>T in individuals affected with Polycystic Kidney And Hepatic Disease and no experimental evidence demonstrating its impact on protein function have been reported. ClinVar contains an entry for this variant (Variation ID: 633360). Based on the evidence outlined above, the variant was classified as benign.

Blueprint Genetics
Classification: Likely benign. Last evaluated: 2024-10-31. Review status: criteria provided, single submitter. Criteria: ACMG Guidelines, 2015. Collection method: clinical testing. Allele origin: germline.

GeneDx
Classification: Likely benign. Last evaluated: 2021-05-16. Review status: criteria provided, single submitter. Criteria: GeneDx Variant Classification Process June 2021. Collection method: clinical testing. Allele origin: germline. Affected: yes.

Illumina Laboratory Services, Illumina
Classification: Uncertain significance for Polycystic kidney disease 4. Last evaluated: 2018-01-13. Review status: criteria provided, single submitter. Criteria: ICSL Variant Classification Criteria 13 December 2019. Collection method: clinical testing. Allele origin: germline.